The following is an entry in ClinVar:

ClinVar aggregate classification (germline): Conflicting classifications of pathogenicity. Review status: criteria provided, conflicting classifications (1 of 4 stars). 3 submissions from 3 submitters: Uncertain significance (2); Likely benign (1). Last evaluated 2025-11-25.

Conditions:
Familial cancer of breast. Also called: BREAST CANCER, FAMILIAL; Hereditary breast cancer; hereditary breast carcinoma. Identifiers: Orphanet 227535, MedGen C0346153, MONDO:0016419, OMIM 114480. Disease mechanism: loss of function.
Hereditary cancer-predisposing syndrome. Also called: Hereditary neoplastic syndrome; Neoplastic Syndromes, Hereditary; Tumor predisposition; Hereditary Cancer Syndrome. Identifiers: Orphanet 140162, MedGen C0027672, MeSH D009386, MONDO:0015356.
Ataxia-telangiectasia syndrome (AT). Also called: LOUIS-BAR SYNDROME; Cerebello-oculocutaneous telangiectasia; Immunodeficiency with ataxia telangiectasia; AT, COMPLEMENTATION GROUP C; Ataxia-telangiectasia, complementation group D; ATAXIA-TELANGIECTASIA, COMPLEMENTATION GROUP A. Identifiers: Orphanet 100, MedGen C0004135, MONDO:0008840, OMIM 208900.

Allele frequency attached by ClinVar (database versions not stated): gnomAD exomes below 0.00001 and 0.00001; TOPMed below 0.00001.
gnomAD v4.1: 3 of 1,614,052 alleles (0.00019%); highest among the groups gnomAD compares: African/African-American, 0.0013%; no homozygotes.

Submissions (3):

Labcorp Genetics (formerly Invitae), Labcorp
Classification: Uncertain significance for Ataxia-telangiectasia syndrome. Last evaluated: 2025-11-25. Review status: criteria provided, single submitter. Criteria: Invitae Variant Classification Sherloc (09022015). Collection method: clinical testing. Allele origin: germline.
Comment: This sequence change replaces valine, which is neutral and non-polar, with isoleucine, which is neutral and non-polar, at codon 908 of the ATM protein (p.Val908Ile). This variant is present in population databases (no rsID available, gnomAD 0.007%). This variant has not been reported in the literature in individuals affected with ATM-related conditions. ClinVar contains an entry for this variant (Variation ID: 482649). Invitae Evidence Modeling of protein sequence and biophysical properties (such as structural, functional, and spatial information, amino acid conservation, physicochemical variation, residue mobility, and thermodynamic stability) indicates that this missense variant is not expected to disrupt ATM protein function with a negative predictive value of 95%. In summary, the available evidence is currently insufficient to determine the role of this variant in disease. Therefore, it has been classified as a Variant of Uncertain Significance.

Ambry Genetics
Classification: Likely benign for Hereditary cancer-predisposing syndrome. Last evaluated: 2024-08-27. Review status: criteria provided, single submitter. Criteria: Ambry Variant Classification Scheme 2023. Collection method: clinical testing. Allele origin: germline.

Baylor Genetics
Classification: Uncertain significance for Familial cancer of breast. Last evaluated: 2023-07-20. Review status: criteria provided, single submitter. Criteria: ACMG Guidelines, 2015. Collection method: clinical testing. Allele origin: unknown.

NM_000051.4(ATM):c.2722G>A (p.Val908Ile)

Gene: ATM (ATM serine/threonine kinase; plus strand). Cytogenetic location: 11q22.3.
Variant type: single nucleotide variant.
Coding change: c.2722G>A on transcript NM_000051.4 (MANE Select); coding-DNA position 2722, G replaced by A.
Protein change: p.Val908Ile; replaces valine 908 with isoleucine.
Molecular consequence: missense variant.
Genome position (GRCh38, 1-based): chr11:108,268,493, G>A. VCF-style: chr11-108268493-G-A. GRCh37 (hg19) VCF-style: chr11-108139220-G-A.
Other names: c.2722G>A, p.Val908Ile (NM_001351834.2); short protein forms V908I.
Identifiers: ClinVar variation 482649 (VCV000482649.10), dbSNP rs1190648236, ClinGen allele CA382545317.